The following is an entry in ClinVar:

NM_000539.3(RHO):c.99G>C (p.Glu33Asp)

Gene: RHO (rhodopsin; plus strand). Cytogenetic location: 3q22.1.
Variant type: single nucleotide variant.
Coding change: c.99G>C on transcript NM_000539.3 (MANE Select); coding-DNA position 99, G replaced by C.
Protein change: p.Glu33Asp; replaces glutamic acid 33 with aspartic acid.
Molecular consequence: missense variant.
Genome position (GRCh38, 1-based): chr3:129,528,832, G>C. VCF-style: chr3-129528832-G-C. GRCh37 (hg19) VCF-style: chr3-129247675-G-C.
Other names: short protein forms E33D.
Identifiers: ClinVar variation 2115276 (VCV002115276.4), dbSNP rs1232548343, ClinGen allele CA354495705.

ClinVar aggregate classification (germline): Uncertain significance (1 of 4 stars; one submission).

Allele frequency attached by ClinVar (database versions not stated): gnomAD 0.00001.
gnomAD v4.1: 2 of 1,614,128 alleles (0.00012%); highest among the groups gnomAD compares: Non-Finnish European, 0.00017%; no homozygotes.

Submission:

Labcorp Genetics (formerly Invitae), Labcorp
Classification: Uncertain significance. Last evaluated: 2022-08-16. Review status: criteria provided, single submitter. Criteria: Invitae Variant Classification Sherloc (09022015). Collection method: clinical testing. Allele origin: germline.
Comment: This variant is present in population databases (no rsID available, gnomAD 0.007%). Advanced modeling of protein sequence and biophysical properties (such as structural, functional, and spatial information, amino acid conservation, physicochemical variation, residue mobility, and thermodynamic stability) performed at Invitae indicates that this missense variant is not expected to disrupt RHO protein function. This variant has not been reported in the literature in individuals affected with RHO-related conditions. This sequence change replaces glutamic acid, which is acidic and polar, with aspartic acid, which is acidic and polar, at codon 33 of the RHO protein (p.Glu33Asp). In summary, the available evidence is currently insufficient to determine the role of this variant in disease. Therefore, it has been classified as a Variant of Uncertain Significance.